The following is an entry in ClinVar:

NM_012210.4(TRIM32):c.1568C>G (p.Ala523Gly)

Genes: ASTN2 (astrotactin 2; minus strand), TRIM32 (tripartite motif containing 32; plus strand). Cytogenetic location: 9q33.1.
Variant type: single nucleotide variant.
Coding change: c.1568C>G on transcript NM_012210.4 (MANE Select); coding-DNA position 1568, C replaced by G.
Protein change: p.Ala523Gly; replaces alanine 523 with glycine.
Molecular consequence: missense variant. On other transcripts: intron variant (3).
Genome position (GRCh38, 1-based): chr9:116,699,310, C>G. VCF-style: chr9-116699310-C-G. GRCh37 (hg19) VCF-style: chr9-119461589-C-G.
Other names: c.1568C>G, p.Ala523Gly (NM_001099679.2, NM_001379048.1, NM_001379049.1 and 1 more transcripts); c.2653+26461G>C (NM_014010.5); c.2794+26461G>C (NM_001365069.1); c.2806+26461G>C (NM_001365068.1); short protein forms A523G.
Identifiers: ClinVar variation 4994538 (VCV004994538.1).

ClinVar aggregate classification (germline): Uncertain significance (1 of 4 stars; one submission).

Conditions:
TRIM32-related disorder. Also called: TRIM32-related condition.

gnomAD v4.1: 4 of 1,614,190 alleles (0.00025%); highest among the groups gnomAD compares: Admixed American, 0.0067%; no homozygotes.

Submission:

PreventionGenetics, part of Exact Sciences
Classification: Uncertain significance for TRIM32-related condition. Last evaluated: 2025-07-28. Review status: criteria provided, single submitter. Criteria: ACMG Guidelines, 2015. Collection method: clinical testing. Allele origin: germline.
Comment: The TRIM32 c.1568C>G variant is predicted to result in the amino acid substitution p.Ala523Gly. To our knowledge, this variant has not been reported in the literature. This variant is reported in 0.0087% of alleles in individuals of Latino descent in gnomAD. At this time, the clinical significance of this variant is uncertain due to the absence of conclusive functional and genetic evidence.